The following is an entry in ClinVar:

ClinVar aggregate classification (germline): Uncertain significance. Review status: criteria provided, multiple submitters, no conflicts (2 of 4 stars). 2 submissions from 2 submitters: Uncertain significance (2). Last evaluated 2025-10-29.

Conditions:
Congenital myotonia, autosomal recessive form. Also called: Becker Generalized Myotonia; myotonia congenita, autosomal recessive; BECKER DISEASE. Identifiers: Orphanet 614, MedGen C0751360, MONDO:0009715, OMIM 255700.
Congenital myotonia, autosomal dominant form (THD). Also called: THOMSEN DISEASE; Myotonia congenita autosomal dominant. Identifiers: Orphanet 614, MedGen C2936781, MONDO:0008055, OMIM 160800.

Submissions (2):

Labcorp Genetics (formerly Invitae), Labcorp
Classification: Uncertain significance for Congenital myotonia, autosomal recessive form; Congenital myotonia, autosomal dominant form. Last evaluated: 2025-10-29. Review status: criteria provided, single submitter. Criteria: Invitae Variant Classification Sherloc (09022015). Collection method: clinical testing. Allele origin: germline.
Comment: This sequence change replaces serine, which is neutral and polar, with asparagine, which is neutral and polar, at codon 142 of the CLCN1 protein (p.Ser142Asn). This variant is not present in population databases (gnomAD no frequency). This variant has not been reported in the literature in individuals affected with CLCN1-related conditions. ClinVar contains an entry for this variant (Variation ID: 3571768). Invitae Evidence Modeling of protein sequence and biophysical properties (such as structural, functional, and spatial information, amino acid conservation, physicochemical variation, residue mobility, and thermodynamic stability) has been performed for this missense variant. However, the output from this modeling did not meet the statistical confidence thresholds required to predict the impact of this variant on CLCN1 protein function. In summary, the available evidence is currently insufficient to determine the role of this variant in disease. Therefore, it has been classified as a Variant of Uncertain Significance.

Athena Diagnostics
Classification: Uncertain significance. Last evaluated: 2024-01-23. Review status: criteria provided, single submitter. Criteria: Athena Diagnostics Criteria. Collection method: clinical testing. Allele origin: unknown.
Comment: Available data are insufficient to determine the clinical significance of the variant at this time. This variant has not been reported in large, multi-ethnic general populations. Computational tools predict that this variant is not damaging.

NM_000083.3(CLCN1):c.425G>A (p.Ser142Asn)

Gene: CLCN1 (chloride voltage-gated channel 1; plus strand). Cytogenetic location: 7q34.
Variant type: single nucleotide variant.
Coding change: c.425G>A on transcript NM_000083.3 (MANE Select); coding-DNA position 425, G replaced by A.
Protein change: p.Ser142Asn; replaces serine 142 with asparagine.
Molecular consequence: missense variant. On other transcripts: non-coding transcript variant (1).
Genome position (GRCh38, 1-based): chr7:143,320,787, G>A. VCF-style: chr7-143320787-G-A. GRCh37 (hg19) VCF-style: chr7-143017880-G-A.
Other names: short protein forms S142N.
Identifiers: ClinVar variation 3571768 (VCV003571768.2).